The following is an entry in ClinVar:

NM_006030.4(CACNA2D2):c.2637+4T>C

Genes: CACNA2D2 (calcium voltage-gated channel auxiliary subunit alpha2delta 2; minus strand), LOC101928965 (uncharacterized LOC101928965; plus strand), LOC127898564 (CYB561D2-LOC101928965; plus strand). Cytogenetic location: 3p21.31.
Variant type: single nucleotide variant.
Coding change: c.2637+4T>C on transcript NM_006030.4 (MANE Select); 4 bases into the intron after coding-DNA position 2637, T replaced by C.
Molecular consequence: intron variant.
Genome position (GRCh38, 1-based): chr3:50,366,574, A>G on the plus strand (T>C on the coding strand, the complement: CACNA2D2 is on the minus strand). VCF-style: chr3-50366574-A-G. GRCh37 (hg19) VCF-style: chr3-50404005-A-G.
Other names: c.2430+4T>C (NM_001291101.1); c.2637+4T>C (NM_001005505.3); c.2640+4T>C (NM_001410768.1); c.2658+4T>C (NM_001174051.3).
Identifiers: ClinVar variation 2702105 (VCV002702105.3), dbSNP rs781198219, ClinGen allele CA2418421.
Genomic context (GRCh38, chr3:50,366,574, plus strand): 5'-CTGGGACTAGGAAGTCTGGAAGTGGGGTAAGCTAGGGTCCAGGGTAGGTTCAGGGCACAC[A>G]CACCTCATTGTTAACCTCGCAGTCCATCTCACAGTGGCTGTTGGGGCCGCACTGCTGGGC-3'

ClinVar aggregate classification (germline): Uncertain significance (1 of 4 stars; one submission).

Conditions:
Early-infantile DEE. Also called: Ohtahara syndrome; Early infantile epileptic encephalopathy with suppression bursts; Early infantile epileptic encephalopathy. Identifiers: Orphanet 1934, MedGen C0393706, MONDO:0800491.

Allele frequency attached by ClinVar (database versions not stated): ExAC 0.00001; gnomAD exomes below 0.00001.
gnomAD v4.1: 1 of 1,613,910 alleles (0.000062%); highest among the groups gnomAD compares: Admixed American, 0.0017%; no homozygotes.

Submission:

Labcorp Genetics (formerly Invitae), Labcorp
Classification: Uncertain significance for Early-infantile DEE. Last evaluated: 2023-05-27. Review status: criteria provided, single submitter. Criteria: Invitae Variant Classification Sherloc (09022015). Collection method: clinical testing. Allele origin: germline.
Comment: In summary, the available evidence is currently insufficient to determine the role of this variant in disease. Therefore, it has been classified as a Variant of Uncertain Significance. Variants that disrupt the consensus splice site are a relatively common cause of aberrant splicing (PMID: 17576681, 9536098). Algorithms developed to predict the effect of sequence changes on RNA splicing suggest that this variant is not likely to affect RNA splicing. This variant has not been reported in the literature in individuals affected with CACNA2D2-related conditions. This variant is present in population databases (rs781198219, gnomAD 0.006%). This sequence change falls in intron 30 of the CACNA2D2 gene. It does not directly change the encoded amino acid sequence of the CACNA2D2 protein. It affects a nucleotide within the consensus splice site.

Literature cited by the submitters: PubMed 17576681; PubMed 9536098.